The following is an entry in ClinVar:

NM_004482.4(GALNT3):c.1610G>A (p.Gly537Glu)

Gene: GALNT3 (polypeptide N-acetylgalactosaminyltransferase 3; minus strand). Cytogenetic location: 2q24.3.
Variant type: single nucleotide variant.
Coding change: c.1610G>A on transcript NM_004482.4 (MANE Select); coding-DNA position 1610, G replaced by A.
Protein change: p.Gly537Glu; replaces glycine 537 with glutamic acid.
Molecular consequence: missense variant.
Genome position (GRCh38, 1-based): chr2:165,754,643, C>T on the plus strand (G>A on the coding strand, the complement: GALNT3 is on the minus strand). VCF-style: chr2-165754643-C-T. GRCh37 (hg19) VCF-style: chr2-166611153-C-T.
Other names: short protein forms G537E.
Identifiers: ClinVar variation 1492139 (VCV001492139.8), dbSNP rs2105402822, ClinGen allele CA349031905.
Genomic context (GRCh38, chr2:165,754,643, plus strand): 5'-TTGTAAATGCTTTACAAGTGAAGGATTTTTAATGCAGTGCTCACCTGGTTTCCCCCAAGT[C>T]CATGACATGTATACATAATTAATGGTTTGCCTCCTTGATTGTTTTCTCCAACATCCAGAC-3'
Protein context (NP_004473.2, residues 527-547): GKPLIMYTCH[Gly537Glu]LGGNQYFEYS

ClinVar aggregate classification (germline): Uncertain significance (1 of 4 stars; one submission).

Submission:

Labcorp Genetics (formerly Invitae), Labcorp
Classification: Uncertain significance. Last evaluated: 2021-03-17. Review status: criteria provided, single submitter. Criteria: Invitae Variant Classification Sherloc (09022015). Collection method: clinical testing. Allele origin: germline.
Comment: In summary, the available evidence is currently insufficient to determine the role of this variant in disease. Therefore, it has been classified as a Variant of Uncertain Significance. Algorithms developed to predict the effect of missense changes on protein structure and function are either unavailable or do not agree on the potential impact of this missense change (SIFT: "Tolerated"; PolyPhen-2: "Probably Damaging"; Align-GVGD: "Class C0"). This variant has not been reported in the literature in individuals with GALNT3-related conditions. This variant is not present in population databases (ExAC no frequency). This sequence change replaces glycine with glutamic acid at codon 537 of the GALNT3 protein (p.Gly537Glu). The glycine residue is highly conserved and there is a moderate physicochemical difference between glycine and glutamic acid.